The following is an entry in ClinVar:

NM_018419.3(SOX18):c.1010G>A (p.Arg337Gln)

Gene: SOX18 (SRY-box transcription factor 18; minus strand). Cytogenetic location: 20q13.33.
Variant type: single nucleotide variant.
Coding change: c.1010G>A on transcript NM_018419.3 (MANE Select); coding-DNA position 1010, G replaced by A.
Protein change: p.Arg337Gln; replaces arginine 337 with glutamine.
Molecular consequence: missense variant.
Genome position (GRCh38, 1-based): chr20:64,048,311, C>T on the plus strand (G>A on the coding strand, the complement: SOX18 is on the minus strand). VCF-style: chr20-64048311-C-T. GRCh37 (hg19) VCF-style: chr20-62679664-C-T.
Other names: short protein forms R337Q.
Identifiers: ClinVar variation 2743266 (VCV002743266.3), dbSNP rs750353797, ClinGen allele CA409751613.

ClinVar aggregate classification (germline): Uncertain significance (1 of 4 stars; one submission).

Allele frequency attached by ClinVar (database versions not stated): gnomAD 0.00001; TOPMed 0.00001.

Submission:

Labcorp Genetics (formerly Invitae), Labcorp
Classification: Uncertain significance. Last evaluated: 2023-07-26. Review status: criteria provided, single submitter. Criteria: Invitae Variant Classification Sherloc (09022015). Collection method: clinical testing. Allele origin: germline.
Comment: In summary, the available evidence is currently insufficient to determine the role of this variant in disease. Therefore, it has been classified as a Variant of Uncertain Significance. Advanced modeling of protein sequence and biophysical properties (such as structural, functional, and spatial information, amino acid conservation, physicochemical variation, residue mobility, and thermodynamic stability) performed at Invitae indicates that this missense variant is not expected to disrupt SOX18 protein function. This variant has not been reported in the literature in individuals affected with SOX18-related conditions. This variant is not present in population databases (gnomAD no frequency). This sequence change replaces arginine, which is basic and polar, with glutamine, which is neutral and polar, at codon 337 of the SOX18 protein (p.Arg337Gln).